The following is an entry in ClinVar:

NM_003737.4(DCHS1):c.6517C>T (p.Arg2173Trp)

Gene: DCHS1 (dachsous cadherin-related 1; minus strand). Cytogenetic location: 11p15.4.
Variant type: single nucleotide variant.
Coding change: c.6517C>T on transcript NM_003737.4 (MANE Select); coding-DNA position 6517, C replaced by T.
Protein change: p.Arg2173Trp; replaces arginine 2173 with tryptophan.
Molecular consequence: missense variant.
Genome position (GRCh38, 1-based): chr11:6,626,228, G>A on the plus strand (C>T on the coding strand, the complement: DCHS1 is on the minus strand). VCF-style: chr11-6626228-G-A. GRCh37 (hg19) VCF-style: chr11-6647459-G-A.
Other names: c.6517C>T (NM_003737.2); short protein forms R2173W.
Identifiers: ClinVar variation 2976239 (VCV002976239.4), dbSNP rs1464964527, ClinGen allele CA379387964.

ClinVar aggregate classification (germline): Uncertain significance. Review status: criteria provided, multiple submitters, no conflicts (2 of 4 stars). 2 submissions from 2 submitters: Uncertain significance (2). Last evaluated 2025-09-10.

Conditions:
Inborn genetic diseases. Identifiers: MedGen C0950123, MeSH D030342.

Allele frequency attached by ClinVar (database versions not stated): TOPMed below 0.00001; gnomAD 0.00001; gnomAD exomes 0.00001.
gnomAD v4.1: 7 of 1,611,488 alleles (0.00043%); highest among the groups gnomAD compares: East Asian, 0.0022%; no homozygotes.

Submissions (2):

Ambry Genetics
Classification: Uncertain significance for Inborn genetic diseases. Last evaluated: 2025-09-10. Review status: criteria provided, single submitter. Criteria: Ambry Variant Classification Scheme 2023. Collection method: clinical testing. Allele origin: germline.

Labcorp Genetics (formerly Invitae), Labcorp
Classification: Uncertain significance. Last evaluated: 2025-01-28. Review status: criteria provided, single submitter. Criteria: Invitae Variant Classification Sherloc (09022015). Collection method: clinical testing. Allele origin: germline.
Comment: This sequence change replaces arginine, which is basic and polar, with tryptophan, which is neutral and slightly polar, at codon 2173 of the DCHS1 protein (p.Arg2173Trp). The frequency data for this variant in the population databases is considered unreliable, as metrics indicate poor data quality at this position in the gnomAD database. This variant has not been reported in the literature in individuals affected with DCHS1-related conditions. ClinVar contains an entry for this variant (Variation ID: 2976239). Invitae Evidence Modeling of protein sequence and biophysical properties (such as structural, functional, and spatial information, amino acid conservation, physicochemical variation, residue mobility, and thermodynamic stability) has been performed for this missense variant. However, the output from this modeling did not meet the statistical confidence thresholds required to predict the impact of this variant on DCHS1 protein function. In summary, the available evidence is currently insufficient to determine the role of this variant in disease. Therefore, it has been classified as a Variant of Uncertain Significance.